The following is an entry in ClinVar:

NM_201384.3(PLEC):c.9918C>T (p.Ser3306=)

Gene: PLEC (plectin; minus strand). Cytogenetic location: 8q24.3.
Variant type: single nucleotide variant.
Coding change: c.9918C>T on transcript NM_201384.3 (MANE Select); coding-DNA position 9918, C replaced by T.
Protein change: p.Ser3306=; no amino-acid change (serine 3306 retained).
Molecular consequence: synonymous variant.
Genome position (GRCh38, 1-based): chr8:143,919,903, G>A on the plus strand (C>T on the coding strand, the complement: PLEC is on the minus strand). VCF-style: chr8-143919903-G-A. GRCh37 (hg19) VCF-style: chr8-144994071-G-A.
Other names: c.9999C>T, p.Ser3333= (NM_000445.5); c.9876C>T, p.Ser3292= (NM_201378.4); c.9852C>T, p.Ser3284= (NM_201379.3); c.10329C>T, p.Ser3443= (NM_201380.4); c.9822C>T, p.Ser3274= (NM_201381.3); c.9918C>T, p.Ser3306= (NM_201382.4); c.9930C>T, p.Ser3310= (NM_201383.3).
Identifiers: ClinVar variation 507465 (VCV000507465.15), dbSNP rs112205689, ClinGen allele CA4924816.

ClinVar aggregate classification (germline): Benign/Likely benign. Review status: criteria provided, multiple submitters, no conflicts (2 of 4 stars). 5 submissions from 5 submitters: Benign (1); Likely benign (4). Last evaluated 2026-07-27.

Conditions:
PLEC-related disorder. Also called: PLEC-related condition; PLEC-related disorders.
Autosomal recessive limb-girdle muscular dystrophy type 2Q (LGMDR17). Also called: MUSCULAR DYSTROPHY, LIMB-GIRDLE, AUTOSOMAL RECESSIVE 17. Identifiers: Orphanet 254361, MedGen C3150989, MONDO:0013390, OMIM 613723.
Epidermolysis bullosa simplex 5B, with muscular dystrophy (EBS5B). Also called: EPIDERMOLYSIS BULLOSA SIMPLEX AND LIMB-GIRDLE MUSCULAR DYSTROPHY; Epidermolysis bullosa simplex with muscular dystrophy. Identifiers: Orphanet 257, MedGen C2931072, MONDO:0009181, OMIM 226670.
Epidermolysis bullosa simplex, Ogna type (EBS5A). Also called: Pidermolysis bullosa simplex 5A, Ogna type; EPIDERMOLYSIS BULLOSA SIMPLEX 5A, OGNA TYPE. Identifiers: Orphanet 79401, MedGen C0432317, MONDO:0007555, OMIM 131950.
Epidermolysis bullosa simplex with nail dystrophy (EBS5D). Identifiers: MedGen C4225309, MONDO:0014661, OMIM 616487.
Epidermolysis bullosa simplex 5C, with pyloric atresia (EBS5C). Also called: PLEC-Related Epidermolysis Bullosa with Pyloric Atresia; Epidermolysis bullosa simplex with pyloric atresia; PLEC1-Related Epidermolysis Bullosa with Pyloric Atresia. Identifiers: Orphanet 158684, MedGen C2677349, MONDO:0012807, OMIM 612138.

Allele frequency attached by ClinVar (database versions not stated): gnomAD 0.00004 and 0.00005; gnomAD exomes 0.00008 and 0.00013; TOPMed 0.00008; ExAC 0.00014; 1000 Genomes Project 30x 0.00016; 1000 Genomes Project 0.00020.
gnomAD v4.1: 126 of 1,613,072 alleles (0.0078%); highest among the groups gnomAD compares: South Asian, 0.057%; 1 homozygote.

Submissions (5):

PreventionGenetics, part of Exact Sciences
Classification: Likely benign for PLEC-related condition. Last evaluated: 2026-07-27. Review status: criteria provided, single submitter. Criteria: ACMG Guidelines, 2015. Collection method: clinical testing. Allele origin: germline.
Comment: This variant is classified as likely benign based on ACMG/AMP sequence variant interpretation guidelines (Richards et al. 2015 PMID: 25741868, with internal and published modifications).

Labcorp Genetics (formerly Invitae), Labcorp
Classification: Likely benign for Autosomal recessive limb-girdle muscular dystrophy type 2Q; Epidermolysis bullosa simplex, Ogna type; Epidermolysis bullosa simplex with nail dystrophy; Epidermolysis bullosa simplex 5C, with pyloric atresia; Epidermolysis bullosa simplex 5B, with muscular dystrophy. Last evaluated: 2023-12-22. Review status: criteria provided, single submitter. Criteria: Invitae Variant Classification Sherloc (09022015). Collection method: clinical testing. Allele origin: germline.

Blueprint Genetics
Classification: Likely benign. Last evaluated: 2023-12-18. Review status: criteria provided, single submitter. Criteria: ACMG Guidelines, 2015. Collection method: clinical testing. Allele origin: germline.

Athena Diagnostics
Classification: Benign. Last evaluated: 2023-10-17. Review status: criteria provided, single submitter. Criteria: Athena Diagnostics Criteria. Collection method: clinical testing. Allele origin: unknown.

GeneDx
Classification: Likely benign. Last evaluated: 2017-02-16. Review status: criteria provided, single submitter. Criteria: GeneDx Variant Classification (06012015). Collection method: clinical testing. Allele origin: germline. Affected: yes.
Comment: This variant is considered likely benign or benign based on one or more of the following criteria: it is a conservative change, it occurs at a poorly conserved position in the protein, it is predicted to be benign by multiple in silico algorithms, and/or has population frequency not consistent with disease.